The following is an entry in ClinVar:

NM_024312.5(GNPTAB):c.163dup (p.Ser55fs)

Gene: GNPTAB (N-acetylglucosamine-1-phosphate transferase subunits alpha and beta; minus strand). Cytogenetic location: 12q23.2.
Variant type: Duplication.
Coding change: c.163dup on transcript NM_024312.5 (MANE Select); coding-DNA position 163, one base duplicated (T; older notation c.163dupT).
Protein change: p.Ser55fs; shifts the reading frame from serine 55.
Molecular consequence: frameshift variant.
Genome position (GRCh38, 1-based): chr12:101,796,717, A duplicated on the plus strand (T on the coding strand, the reverse complement: GNPTAB is on the minus strand); the first of 2 consecutive A bases (chr12:101,796,717-101,796,718); duplicating either gives the same sequence. VCF-style (leftmost placement, unchanged base first): chr12-101796716-G-GA. GRCh37 (hg19) VCF-style: chr12-102190494-G-GA.
Other names: c.163dupT (NM_024312.4); short protein forms S55fs.
Identifiers: ClinVar variation 39037 (VCV000039037.4), dbSNP rs281864949, ClinGen allele CA343354.
Genomic context (GRCh38, chr12:101,796,716, plus strand): 5'-TTTCTCCAAAATAGATCTTACCGATTCTGAAAGGACTTTCCAGCAATATTGTCTCTATAG[G>GA]AATCAAACAAAACATGGTATTGATCTCGGCTCCATTCCAGAACCACCTAGAACAAAGAAA-3'

ClinVar aggregate classification (germline): Likely pathogenic. Review status: criteria provided, single submitter (1 of 4 stars). 2 submissions from 2 submitters: Likely pathogenic (1). 1 of the submissions does not count toward it. Last evaluated 2024-04-30.

Conditions:
Mucolipidosis type II. Also called: Mucolipidosis 2; ML 2; Inclusion cell disease; Leroy Disease; N-acetylglucosamine 1phosphotransferase deficiency; ML disorder type 2. Identifiers: Orphanet 576, MedGen C2673377, MONDO:0009650, OMIM 252500.

Submissions (2):

Natera, Inc.
Classification: Likely pathogenic for Mucolipidosis type II. Last evaluated: 2024-04-30. Review status: criteria provided, single submitter. Criteria: Natera Variant Classification Schema (03/2026). Collection method: clinical testing. Allele origin: germline.
Comment: The c.163dupT variant in GNPTAB is a frameshift variant predicted to shift the reading frame beginning at codon 55 and leads to a stop codon 3 codons downstream. This variant is expected to result in nonsense mediated decay, truncation, or a dysfunctional protein product. This variant is rare in the general population with a frequency below the threshold expected for the associated phenotype(s). Given the available evidence, this variant is classified as Likely Pathogenic.

GeneReviews
No classification provided. Condition: Mucolipidosis type II. Review status: no classification provided. Collection method: literature only. Allele origin: unknown. Not counted in ClinVar's aggregate classification.

Literature cited by the submitters: PubMed 19938078 (cited by GeneReviews); PubMed 20301728 (cited by GeneReviews); NCBI Bookshelf NBK1828 (cited by GeneReviews).